The following is an entry in ClinVar:

NM_004415.4(DSP):c.40C>G (p.Leu14Val)

Genes: DSP (desmoplakin; plus strand), DSP-AS1 (DSP antisense RNA 1; minus strand). Cytogenetic location: 6p24.3.
Variant type: single nucleotide variant.
Coding change: c.40C>G on transcript NM_004415.4 (MANE Select); coding-DNA position 40, C replaced by G.
Protein change: p.Leu14Val; replaces leucine 14 with valine.
Molecular consequence: missense variant.
Genome position (GRCh38, 1-based): chr6:7,541,955, C>G. VCF-style: chr6-7541955-C-G. GRCh37 (hg19) VCF-style: chr6-7542188-C-G.
Other names: c.40C>G, p.Leu14Val (NM_001008844.3, NM_001319034.2, NM_001406591.1); short protein forms L14V.
Identifiers: ClinVar variation 3071495 (VCV003071495.1), dbSNP rs1282398925, ClinGen allele CA362675557.

ClinVar aggregate classification (germline): Uncertain significance (1 of 4 stars; one submission).

Conditions:
Arrhythmogenic cardiomyopathy with wooly hair and keratoderma. Also called: PALMOPLANTAR KERATODERMA WITH LEFT VENTRICULAR CARDIOMYOPATHY AND WOOLLY HAIR; Carvajal syndrome; Dilated cardiomyopathy with woolly hair and keratoderma; Arrhythmogenic cardiomyopathy with woolly hair and keratoderma. Identifiers: Orphanet 65282, MedGen C1854063, MONDO:0011581, OMIM 605676.

Submission:

All of Us Research Program, National Institutes of Health
Classification: Uncertain significance for Arrhythmogenic cardiomyopathy with wooly hair and keratoderma. Last evaluated: 2023-06-08. Review status: criteria provided, single submitter. Criteria: ACMG Guidelines, 2015. Collection method: clinical testing. Allele origin: germline. Inheritance: Autosomal dominant inheritance. Observed: 1 variant allele, 1 heterozygote.
Comment: This missense variant replaces leucine with valine at codon 14 of the DSP protein. Computational prediction suggests that this variant may not impact protein structure and function (internally defined REVEL score threshold <= 0.5, PMID: 27666373). To our knowledge, functional studies have not been reported for this variant. This variant has not been reported in individuals affected with DSP-related disorders in the literature. This variant has not been identified in the general population by the Genome Aggregation Database (gnomAD). The available evidence is insufficient to determine the role of this variant in disease conclusively. Therefore, this variant is classified as a Variant of Uncertain Significance.

This study involves interpretation of variants in research participants for the purpose of population health screening. Participant phenotype was not available at the time of variant classification. Additional details can be found in publication PMID: 35346344, PMCID: PMC8962531